The following is an entry in ClinVar:

ClinVar aggregate classification (germline): Conflicting classifications of pathogenicity. Review status: criteria provided, conflicting classifications (1 of 4 stars). 3 submissions from 3 submitters: Uncertain significance (1); Likely benign (1). 1 of the submissions does not count toward it. Last evaluated 2025-09-15.

Conditions:
COL9A3-related disorder. Also called: COL9A3-related condition.

Allele frequency attached by ClinVar (database versions not stated): ExAC 0.00003; gnomAD exomes 0.00004; TOPMed 0.00004.
gnomAD v4.1: 65 of 1,611,754 alleles (0.004%); highest among the groups gnomAD compares: Middle Eastern, 0.061%; no homozygotes.

Submissions (3):

Labcorp Genetics (formerly Invitae), Labcorp
Classification: Likely benign. Last evaluated: 2025-09-15. Review status: criteria provided, single submitter. Criteria: Invitae Variant Classification Sherloc (09022015). Collection method: clinical testing. Allele origin: germline.

Blueprint Genetics
Classification: Uncertain significance. Last evaluated: 2024-08-26. Review status: criteria provided, single submitter. Criteria: ACMG Guidelines, 2015. Collection method: clinical testing. Allele origin: germline.

PreventionGenetics, part of Exact Sciences
Classification: Likely benign for COL9A3-related condition. Last evaluated: 2024-07-16. Review status: no assertion criteria provided. Collection method: clinical testing. Allele origin: germline. Not counted in ClinVar's aggregate classification.
Comment: This variant is classified as likely benign based on ACMG/AMP sequence variant interpretation guidelines (Richards et al. 2015 PMID: 25741868, with internal and published modifications).

NM_001853.4(COL9A3):c.1875C>T (p.Gly625=)

Gene: COL9A3 (collagen type IX alpha 3 chain; plus strand). Cytogenetic location: 20q13.33.
Variant type: single nucleotide variant.
Coding change: c.1875C>T on transcript NM_001853.4 (MANE Select); coding-DNA position 1875, C replaced by T.
Protein change: p.Gly625=; no amino-acid change (glycine 625 retained).
Molecular consequence: synonymous variant.
Genome position (GRCh38, 1-based): chr20:62,840,552, C>T. VCF-style: chr20-62840552-C-T. GRCh37 (hg19) VCF-style: chr20-61471904-C-T.
Other names: c.1875C>T (NM_001853.3).
Identifiers: ClinVar variation 1005993 (VCV001005993.8), dbSNP rs779514361, ClinGen allele CA9950245.